The following is an entry in ClinVar:

ClinVar aggregate classification (germline): Likely pathogenic (1 of 4 stars; one submission).

Conditions:
Dilated cardiomyopathy 1G (CMD1G). Identifiers: Orphanet 154, MedGen C1858763, MONDO:0011400, OMIM 604145.
Autosomal recessive limb-girdle muscular dystrophy type 2J (LGMDR10). Also called: MUSCULAR DYSTROPHY, LIMB-GIRDLE, AUTOSOMAL RECESSIVE 10; Limb-girdle muscular dystrophy, type 2J. Identifiers: Orphanet 140922, MedGen C1837342, MONDO:0012127, OMIM 608807.

Submission:

Labcorp Genetics (formerly Invitae), Labcorp
Classification: Likely pathogenic for Dilated cardiomyopathy 1G; Autosomal recessive limb-girdle muscular dystrophy type 2J. Last evaluated: 2022-06-10. Review status: criteria provided, single submitter. Criteria: Invitae Variant Classification Sherloc (09022015). Collection method: clinical testing. Allele origin: germline.
Comment: This variant is located in the A band of TTN (PMID: 25589632). Truncating variants in this region are significantly overrepresented in patients affected with dilated cardiomyopathy (PMID: 25589632). Truncating variants in this region have also been reported in individuals affected with autosomal recessive centronuclear myopathy (PMID: 23975875). In summary, the currently available evidence indicates that the variant is pathogenic, but additional data are needed to prove that conclusively. Therefore, this variant has been classified as Likely Pathogenic. Algorithms developed to predict the effect of sequence changes on RNA splicing suggest that this variant may disrupt the consensus splice site. This variant has not been reported in the literature in individuals affected with TTN-related conditions. This variant is not present in population databases (gnomAD no frequency). This sequence change affects a donor splice site in intron 264 of the TTN gene. It is expected to disrupt RNA splicing and likely results in a truncated or disrupted TTN protein.

Literature cited by the submitters: PubMed 25589632; PubMed 23975875.

NM_001267550.2(TTN):c.49648+1G>A

Genes: TTN (titin; minus strand), TTN-AS1 (TTN antisense RNA 1; plus strand). Cytogenetic location: 2q31.2.
Variant type: single nucleotide variant.
Coding change: c.49648+1G>A on transcript NM_001267550.2 (MANE Select); the canonical splice donor site of the intron after coding-DNA position 49648, G replaced by A.
Molecular consequence: splice donor variant.
Genome position (GRCh38, 1-based): chr2:178,613,160, C>T on the plus strand (G>A on the coding strand, the complement: TTN is on the minus strand). VCF-style: chr2-178613160-C-T. GRCh37 (hg19) VCF-style: chr2-179477887-C-T.
Other names: c.22453+1G>A (NM_003319.4); c.23029+1G>A (NM_133437.4); c.22828+1G>A (NM_133432.3); c.41944+1G>A (NM_133378.4); c.44725+1G>A (NM_001256850.1).
Identifiers: ClinVar variation 2004204 (VCV002004204.4), dbSNP rs2056668331, ClinGen allele CA349601710.